The following is an entry in ClinVar:

NM_001130823.3(DNMT1):c.757A>G (p.Arg253Gly)

Gene: DNMT1 (DNA methyltransferase 1; minus strand). Cytogenetic location: 19p13.2.
Variant type: single nucleotide variant.
Coding change: c.757A>G on transcript NM_001130823.3 (MANE Select); coding-DNA position 757, A replaced by G.
Protein change: p.Arg253Gly; replaces arginine 253 with glycine.
Molecular consequence: missense variant.
Genome position (GRCh38, 1-based): chr19:10,173,101, T>C on the plus strand (A>G on the coding strand, the complement: DNMT1 is on the minus strand). VCF-style: chr19-10173101-T-C. GRCh37 (hg19) VCF-style: chr19-10283777-T-C.
Other names: p.Arg253Gly; c.709A>G, p.Arg237Gly (NM_001318730.2, NM_001379.4); c.394A>G, p.Arg132Gly (NM_001318731.2); short protein forms R132G, R237G, R253G.
Identifiers: ClinVar variation 4542302 (VCV004542302.1).

ClinVar aggregate classification (germline): Uncertain significance (1 of 4 stars; one submission).

Submission:

Mayo Clinic Laboratories, Mayo Clinic
Classification: Uncertain significance. Last evaluated: 2025-02-10. Review status: criteria provided, single submitter. Criteria: ACMG Guidelines, 2015. Collection method: clinical testing. Allele origin: germline. Observed: 1 variant allele.
Comment: BP4_moderate, PP2, PM2_supporting